The following is an entry in ClinVar:

NM_032217.5(ANKRD17):c.3698C>A (p.Ala1233Asp)

Gene: ANKRD17 (ankyrin repeat domain 17; minus strand). Cytogenetic location: 4q13.3.
Variant type: single nucleotide variant.
Coding change: c.3698C>A on transcript NM_032217.5 (MANE Select); coding-DNA position 3698, C replaced by A.
Protein change: p.Ala1233Asp; replaces alanine 1233 with aspartic acid.
Molecular consequence: missense variant.
Genome position (GRCh38, 1-based): chr4:73,121,032, G>T on the plus strand (C>A on the coding strand, the complement: ANKRD17 is on the minus strand). VCF-style: chr4-73121032-G-T. GRCh37 (hg19) VCF-style: chr4-73986749-G-T.
Other names: c.3359C>A, p.Ala1120Asp (NM_001286771.3); c.3695C>A, p.Ala1232Asp (NM_015574.2); c.2945C>A, p.Ala982Asp (NM_198889.3); short protein forms A1120D, A1232D, A1233D, A982D.
Identifiers: ClinVar variation 3773652 (VCV003773652.2).
Genomic context (GRCh38, chr4:73,121,032, plus strand): 5'-TTCCGATTGGTTTCTATCTGAGCATTTATGTCAGAGCCCATGTCTAACAGGAGCTTAACA[G>T]CAGCTGTATGCCCATTCATAGCTGCTAACATCAGAGGAGAGATGCCCAATTTGCTACCAG-3'
Protein context (NP_115593.3, residues 1223-1243): MLAAMNGHTA[Ala1233Asp]VKLLLDMGSD

ClinVar aggregate classification (germline): Uncertain significance (1 of 4 stars; one submission).

Conditions:
Chopra-Amiel-Gordon syndrome (CAGS). Also called: ANKRD17-Related Neurodevelopmental Syndrome. Identifiers: MedGen C5561975, MONDO:0859186, OMIM 619504.

Submission:

Institute of Human Genetics, University of Leipzig Medical Center
Classification: Uncertain significance for Chopra-Amiel-Gordon syndrome. Last evaluated: 2025-03-04. Review status: criteria provided, single submitter. Criteria: ACMG Guidelines, 2015. Collection method: clinical testing. Allele origin: unknown. Affected: yes.
Comment: Criteria applied: PM2,PP2,PP3